The following is an entry in ClinVar:

ClinVar aggregate classification (germline): Likely benign. Review status: criteria provided, multiple submitters, no conflicts (2 of 4 stars). 2 submissions from 2 submitters: Likely benign (2). Last evaluated 2026-07-01.

Allele frequency attached by ClinVar (database versions not stated): gnomAD exomes 0.00003 and 0.00008; ExAC 0.00010.
gnomAD v4.1: 49 of 1,613,940 alleles (0.003%); highest among the groups gnomAD compares: South Asian, 0.049%; no homozygotes.

Submissions (2):

CeGaT Center for Human Genetics Tuebingen
Classification: Likely benign. Last evaluated: 2026-07-01. Review status: criteria provided, single submitter. Criteria: CeGaT Center For Human Genetics Tuebingen Variant Classification Criteria Version 2. Collection method: clinical testing. Allele origin: germline. Affected: yes. Observed: 1 variant allele.
Comment: KMT2A: BP4, BS1

Labcorp Genetics (formerly Invitae), Labcorp
Classification: Likely benign. Last evaluated: 2025-08-17. Review status: criteria provided, single submitter. Criteria: Invitae Variant Classification Sherloc (09022015). Collection method: clinical testing. Allele origin: germline.

NM_001197104.2(KMT2A):c.6003T>C (p.Phe2001=)

Gene: KMT2A (lysine methyltransferase 2A; plus strand). Cytogenetic location: 11q23.3.
Variant type: single nucleotide variant.
Coding change: c.6003T>C on transcript NM_001197104.2 (MANE Select); coding-DNA position 6003, T replaced by C.
Protein change: p.Phe2001=; no amino-acid change (phenylalanine 2001 retained).
Molecular consequence: synonymous variant.
Genome position (GRCh38, 1-based): chr11:118,499,344, T>C. VCF-style: chr11-118499344-T-C. GRCh37 (hg19) VCF-style: chr11-118370059-T-C.
Other names: c.5994T>C, p.Phe1998= (NM_005933.4).
Identifiers: ClinVar variation 1632474 (VCV001632474.10), dbSNP rs782219735, ClinGen allele CA6304152.
Genomic context (GRCh38, chr11:118,499,344, plus strand): 5'-ACCATGGGTTTTATTTAAGGTGGTTCCTGAGAATGGATTTGAAGTTTTCAGAAGAGTGTT[T>C]GTGGACTTTGAAGGAATCAGCTTGAGAAGGAAGTTTCTCAATGGCTTGGAACCAGAAAAT-3'
Protein context (NP_001184033.1, residues 1991-2011): ENGFEVFRRV[Phe2001=]VDFEGISLRR